The following is an entry in ClinVar:

ClinVar aggregate classification (germline): Uncertain significance. Review status: criteria provided, multiple submitters, no conflicts (2 of 4 stars). 3 submissions from 3 submitters: Uncertain significance (3). Last evaluated 2025-05-28.

Conditions:
NPHP1-related disorder. Also called: NPHP1-related disorders; NPHP1-related condition.
Nephronophthisis. Also called: Juvenile Nephronophthisis. Identifiers: Orphanet 655, MedGen C0687120, MONDO:0019005, HP:0000090.
Senior-Loken syndrome 1 (SLSN1). Also called: JUVENILE NEPHRONOPHTHISIS WITH LEBER AMAUROSIS. Identifiers: Orphanet 3156, MedGen C4551559, MONDO:0009962, OMIM 266900.
Joubert syndrome with renal defect. Also called: JOUBERT SYNDROME 4. Identifiers: Orphanet 220497, MedGen C1846790, MONDO:0012308, OMIM 609583.
Nephronophthisis 1 (NPHP1). Also called: Nephronophthisis familial juvenile. Identifiers: Orphanet 655, Orphanet 93592, MedGen C1855681, MONDO:0009728, OMIM 256100.

Allele frequency attached by ClinVar (database versions not stated): gnomAD exomes below 0.00001.
gnomAD v4.1: 2 of 1,341,990 alleles (0.00015%); highest among the groups gnomAD compares: Admixed American, 0.0017%; no homozygotes.

Submissions (3):

PreventionGenetics, part of Exact Sciences
Classification: Uncertain significance for NPHP1-related condition. Last evaluated: 2025-05-28. Review status: criteria provided, single submitter. Criteria: ACMG Guidelines, 2015. Collection method: clinical testing. Allele origin: germline.
Comment: The NPHP1 c.199A>G variant is predicted to result in the amino acid substitution p.Ser67Gly. To our knowledge, this variant has not been reported in the literature or in a large population database (gnomAD), indicating this variant is rare. At this time, the clinical significance of this variant is uncertain due to the absence of conclusive functional and genetic evidence.

Fulgent Genetics
Classification: Uncertain significance for Nephronophthisis 1; Senior-Loken syndrome 1; Joubert syndrome with renal defect. Last evaluated: 2023-12-27. Review status: criteria provided, single submitter. Criteria: ACMG Guidelines, 2015. Collection method: clinical testing. Allele origin: germline.

Labcorp Genetics (formerly Invitae), Labcorp
Classification: Uncertain significance for Nephronophthisis. Last evaluated: 2021-08-27. Review status: criteria provided, single submitter. Criteria: Invitae Variant Classification Sherloc (09022015). Collection method: clinical testing. Allele origin: germline.
Comment: This sequence change replaces serine with glycine at codon 67 of the NPHP1 protein (p.Ser67Gly). The serine residue is weakly conserved and there is a small physicochemical difference between serine and glycine. This variant is not present in population databases (ExAC no frequency). This variant has not been reported in the literature in individuals affected with NPHP1-related conditions. Algorithms developed to predict the effect of missense changes on protein structure and function (SIFT, PolyPhen-2, Align-GVGD) all suggest that this variant is likely to be tolerated. Algorithms developed to predict the effect of sequence changes on RNA splicing suggest that this variant may create or strengthen a splice site. In summary, the available evidence is currently insufficient to determine the role of this variant in disease. Therefore, it has been classified as a Variant of Uncertain Significance.

NM_001128178.3(NPHP1):c.199A>G (p.Ser67Gly)

Gene: NPHP1 (nephrocystin 1; minus strand). Cytogenetic location: 2q13.
Variant type: single nucleotide variant.
Coding change: c.199A>G on transcript NM_001128178.3 (MANE Select); coding-DNA position 199, A replaced by G.
Protein change: p.Ser67Gly; replaces serine 67 with glycine.
Molecular consequence: missense variant. On other transcripts: intron variant (1).
Genome position (GRCh38, 1-based): chr2:110,179,629, T>C on the plus strand (A>G on the coding strand, the complement: NPHP1 is on the minus strand). VCF-style: chr2-110179629-T-C. GRCh37 (hg19) VCF-style: chr2-110937206-T-C.
Other names: c.199A>G, p.Ser67Gly (NM_000272.5, NM_001374256.1, NM_001374257.1 and 1 more transcripts); c.199A>G (NM_000272.4, NM_000272.3); c.144-9631A>G (NM_001128179.3); short protein forms S67G.
Identifiers: ClinVar variation 1007768 (VCV001007768.8), dbSNP rs1683747045, ClinGen allele CA348093616.